The following is an entry in ClinVar:

NM_001368397.1(FRMPD4):c.2160C>T (p.Gly720=)

Gene: FRMPD4 (FERM and PDZ domain containing 4; plus strand). Cytogenetic location: Xp22.2.
Variant type: single nucleotide variant.
Coding change: c.2160C>T on transcript NM_001368397.1 (MANE Select); coding-DNA position 2160, C replaced by T.
Protein change: p.Gly720=; no amino-acid change (glycine 720 retained).
Molecular consequence: synonymous variant.
Genome position (GRCh38, 1-based): chrX:12,716,619, C>T. VCF-style: chrX-12716619-C-T. GRCh37 (hg19) VCF-style: chrX-12734738-C-T.
Other names: NC_000023.10:g.12734738C>T; c.2271C>T, p.Gly757= (NM_001368395.3, NM_001368398.3); c.2166C>T, p.Gly722= (NM_001368396.3); c.2151C>T, p.Gly717= (NM_001368399.3); c.2040C>T, p.Gly680= (NM_001368400.3); c.2136C>T, p.Gly712= (NM_001368401.1, NM_001368402.3); c.2160C>T, p.Gly720= (NM_014728.3).
Identifiers: ClinVar variation 736696 (VCV000736696.9), dbSNP rs766939386, ClinGen allele CA10349415.

ClinVar aggregate classification (germline): Benign/Likely benign. Review status: criteria provided, multiple submitters, no conflicts (2 of 4 stars). 2 submissions from 2 submitters: Benign (1); Likely benign (1). Last evaluated 2026-01-01.

Allele frequency attached by ClinVar (database versions not stated): gnomAD below 0.00001 and 0.00001; gnomAD exomes 0.00003 and 0.00016; TOPMed 0.00005; ExAC 0.00011.
gnomAD v4.1: 36 of 1,209,195 alleles (0.003%); highest among the groups gnomAD compares: Admixed American, 0.074%; no homozygotes.

Submissions (3):

CeGaT Center for Human Genetics Tuebingen
Classification: Likely benign. Last evaluated: 2026-01-01. Review status: criteria provided, single submitter. Criteria: CeGaT Center For Human Genetics Tuebingen Variant Classification Criteria Version 2. Collection method: clinical testing. Allele origin: germline. Affected: yes. Observed: 1 variant allele.
Comment: FRMPD4: BP4, BP7, BS2

Labcorp Genetics (formerly Invitae), Labcorp
Classification: Benign. Last evaluated: 2019-12-31. Review status: criteria provided, single submitter. Criteria: Invitae Variant Classification Sherloc (09022015). Collection method: clinical testing. Allele origin: germline.

Dr. Peter K. Rogan Lab, Western University
No classification provided (evidence only). Condition: Thyroid cancer, nonmedullary, 1. Review status: no classification provided. Collection method: in vitro. Allele origin: not applicable. Functional consequence: retained intron. Not counted in ClinVar's aggregate classification.